The following is an entry in ClinVar:

NM_022124.6(CDH23):c.871G>A (p.Gly291Arg)

Gene: CDH23 (cadherin related 23; plus strand). Cytogenetic location: 10q22.1.
Variant type: single nucleotide variant.
Coding change: c.871G>A on transcript NM_022124.6 (MANE Select); coding-DNA position 871, G replaced by A.
Protein change: p.Gly291Arg; replaces glycine 291 with arginine.
Molecular consequence: missense variant.
Genome position (GRCh38, 1-based): chr10:71,615,542, G>A. VCF-style: chr10-71615542-G-A. GRCh37 (hg19) VCF-style: chr10-73375299-G-A.
Other names: c.871G>A, p.Gly291Arg (NM_001171930.2, NM_001171931.2, NM_001171932.2 and 1 more transcripts); short protein forms G291R.
Identifiers: ClinVar variation 1065907 (VCV001065907.13), dbSNP rs767343063, ClinGen allele CA5543584.

ClinVar aggregate classification (germline): Pathogenic/Likely pathogenic. Review status: criteria provided, multiple submitters, no conflicts (2 of 4 stars). 4 submissions from 4 submitters: Pathogenic (1); Likely pathogenic (3). Last evaluated 2025-12-01.

Conditions:
Pituitary adenoma 5, multiple types. Identifiers: MedGen C4539685, MONDO:0054601, OMIM 617540.
Autosomal recessive nonsyndromic hearing loss 12. Also called: DEAFNESS, AUTOSOMAL RECESSIVE 12. Identifiers: Orphanet 90636, MedGen C1832394, MONDO:0011067, OMIM 601386.

Allele frequency attached by ClinVar (database versions not stated): gnomAD exomes below 0.00001; ExAC 0.00002.
gnomAD v4.1: 16 of 1,613,692 alleles (0.00099%); highest among the groups gnomAD compares: East Asian, 0.0022%; no homozygotes.

Submissions (4):

Labcorp Genetics (formerly Invitae), Labcorp
Classification: Pathogenic. Last evaluated: 2025-12-01. Review status: criteria provided, single submitter. Criteria: Invitae Variant Classification Sherloc (09022015). Collection method: clinical testing. Allele origin: germline.
Comment: This sequence change replaces glycine, which is neutral and non-polar, with arginine, which is basic and polar, at codon 291 of the CDH23 protein (p.Gly291Arg). This variant is present in population databases (rs767343063, gnomAD 0.0009%). This missense change has been observed in individual(s) with clinical features of Usher syndrome (PMID: 25404053, 27583663, 32860223; internal data). ClinVar contains an entry for this variant (Variation ID: 1065907). Invitae Evidence Modeling of protein sequence and biophysical properties (such as structural, functional, and spatial information, amino acid conservation, physicochemical variation, residue mobility, and thermodynamic stability) has been performed for this missense variant. However, the output from this modeling did not meet the statistical confidence thresholds required to predict the impact of this variant on CDH23 protein function. For these reasons, this variant has been classified as Pathogenic.

Baylor Genetics
Classification: Likely pathogenic for Pituitary adenoma 5, multiple types. Last evaluated: 2023-12-19. Review status: criteria provided, single submitter. Criteria: ACMG Guidelines, 2015. Collection method: clinical testing. Allele origin: unknown.

GeneDx
Classification: Likely pathogenic. Last evaluated: 2023-10-26. Review status: criteria provided, single submitter. Criteria: GeneDx Variant Classification Process June 2021. Collection method: clinical testing. Allele origin: germline. Affected: yes.
Comment: Not observed at significant frequency in large population cohorts (gnomAD); In silico analysis supports that this missense variant has a deleterious effect on protein structure/function; This variant is associated with the following publications: (PMID: 36460718, 32860223, 27583663, 25404053)

3billion
Classification: Likely pathogenic for Autosomal recessive nonsyndromic hearing loss 12. Last evaluated: 2022-05-22. Review status: criteria provided, single submitter. Criteria: ACMG Guidelines, 2015. Collection method: clinical testing. Allele origin: germline. Affected: yes. Observed: 1 heterozygote.
Comment: The variant is observed at an extremely low frequency in the gnomAD v2.1.1 dataset (total allele frequency: <0.001%). In silico tool predictions suggest damaging effect of the variant on gene or gene product (REVEL: 0.95; 3Cnet: 0.98). Same nucleotide change resulting in same amino acid change has been previously reported to be associated with CDH23 related disorder (PMID: 25404053). The variant has been reported to be in trans with a pathogenic variant as either compound heterozygous or homozygous in at least one similarly affected unrelated individual (PMID: 25404053, 27583663). Therefore, this variant is classified as likely pathogenic according to the recommendation of ACMG/AMP guideline.

Literature cited by the submitters: PubMed 25404053 (cited by Labcorp Genetics (formerly Invitae), Labcorp and 3billion); PubMed 27583663 (cited by Labcorp Genetics (formerly Invitae), Labcorp and 3billion); PubMed 32860223 (cited by Labcorp Genetics (formerly Invitae), Labcorp).